The following is an entry in ClinVar:

ClinVar aggregate classification (germline): Uncertain significance (1 of 4 stars; one submission).

Conditions:
Hereditary cancer-predisposing syndrome. Also called: Neoplastic Syndromes, Hereditary; Tumor predisposition; Hereditary Cancer Syndrome; Hereditary neoplastic syndrome. Identifiers: Orphanet 140162, MedGen C0027672, MeSH D009386, MONDO:0015356.

Submission:

Color Diagnostics, LLC DBA Color Health
Classification: Uncertain significance for Hereditary cancer-predisposing syndrome. Last evaluated: 2023-04-23. Review status: criteria provided, single submitter. Criteria: ACMG Guidelines, 2015. Collection method: clinical testing. Allele origin: germline.
Comment: This missense variant replaces lysine with asparagine at codon 2370 of the BRCA2 protein. Computational prediction suggests that this variant may not impact protein structure and function (internally defined REVEL score threshold <= 0.5, PMID: 27666373). To our knowledge, functional studies have not been reported for this variant. This variant has not been reported in individuals affected with BRCA2-related disorders in the literature. This variant has not been identified in the general population by the Genome Aggregation Database (gnomAD). The available evidence is insufficient to determine the role of this variant in disease conclusively. Therefore, this variant is classified as a Variant of Uncertain Significance.

NM_000059.4(BRCA2):c.7110A>T (p.Lys2370Asn)

Gene: BRCA2 (BRCA2 DNA repair associated; plus strand). Cytogenetic location: 13q13.1.
Variant type: single nucleotide variant.
Coding change: c.7110A>T on transcript NM_000059.4 (MANE Select); coding-DNA position 7110, A replaced by T.
Protein change: p.Lys2370Asn; replaces lysine 2370 with asparagine.
Molecular consequence: missense variant. On other transcripts: non-coding transcript variant (1).
Genome position (GRCh38, 1-based): chr13:32,354,963, A>T. VCF-style: chr13-32354963-A-T. GRCh37 (hg19) VCF-style: chr13-32929100-A-T.
Other names: c.7014A>T, p.Lys2338Asn (NM_001406719.1); c.7110A>T, p.Lys2370Asn (NM_001406720.1); c.2178A>T, p.Lys726Asn (NM_001406721.1); c.693A>T, p.Lys231Asn (NM_001406722.1); short protein forms K2338N, K726N, K231N, K2370N.
Identifiers: ClinVar variation 2774937 (VCV002774937.2), dbSNP rs1555286011, ClinGen allele CA387738625.